The following is an entry in ClinVar:

NM_007347.5(AP4E1):c.542+258A>G

Gene: AP4E1 (adaptor related protein complex 4 subunit epsilon 1; plus strand). Cytogenetic location: 15q21.2.
Variant type: single nucleotide variant.
Coding change: c.542+258A>G on transcript NM_007347.5 (MANE Select); 258 bases into the intron after coding-DNA position 542, A replaced by G.
Molecular consequence: intron variant.
Genome position (GRCh38, 1-based): chr15:50,925,477, A>G. VCF-style: chr15-50925477-A-G. GRCh37 (hg19) VCF-style: chr15-51217674-A-G.
Other names: c.317+258A>G (NM_001252127.2).
Identifiers: ClinVar variation 667966 (VCV000667966.1), dbSNP rs2306333, ClinGen allele CA15849977.

ClinVar aggregate classification (germline): Benign (1 of 4 stars; one submission).

Allele frequency attached by ClinVar (database versions not stated): TOPMed 0.13026; 1000 Genomes Project 30x 0.13351; gnomAD 0.13451 and 0.13790; 1000 Genomes Project 0.13758.
gnomAD v4.1: 20,981 of 152,146 alleles (14%); highest among the groups gnomAD compares: South Asian, 20%; 1,595 homozygotes.

Submission:

GeneDx
Classification: Benign. Last evaluated: 2018-06-16. Review status: criteria provided, single submitter. Criteria: GeneDx Variant Classification (06012015). Collection method: clinical testing. Allele origin: germline. Affected: yes.
Comment: This variant is considered likely benign or benign based on one or more of the following criteria: it is a conservative change, it occurs at a poorly conserved position in the protein, it is predicted to be benign by multiple in silico algorithms, and/or has population frequency not consistent with disease.